The following is an entry in ClinVar:

NM_000038.6(APC):c.3578del (p.Gln1193fs)

Gene: APC (APC regulator of Wnt signaling pathway; plus strand). Cytogenetic location: 5q22.2.
Variant type: Deletion.
Coding change: c.3578del on transcript NM_000038.6 (MANE Select); coding-DNA position 3578, one base deleted (A; older notation c.3578delA).
Protein change: p.Gln1193fs; shifts the reading frame from glutamine 1193.
Molecular consequence: frameshift variant.
Genome position (GRCh38, 1-based): chr5:112,839,172, A deleted. VCF-style (leftmost placement, unchanged base first): chr5-112839171-CA-C. GRCh37 (hg19) VCF-style: chr5-112174868-CA-C.
Other names: c.3578del, p.Gln1193fs (NM_001127510.3, NM_001354895.2); c.3524del, p.Gln1175fs (NM_001127511.3); c.3632del, p.Gln1211fs (NM_001354896.2); c.3608del, p.Gln1203fs (NM_001354897.2); c.3503del, p.Gln1168fs (NM_001354898.2); c.3494del, p.Gln1165fs (NM_001354899.2); c.3455del, p.Gln1152fs (NM_001354900.2); c.3401del, p.Gln1134fs (NM_001354901.2); and 5 more; short protein forms Q1193fs, Q910fs, Q1067fs, Q1175fs, Q1134fs, Q1165fs, Q1203fs, Q1033fs.
Identifiers: ClinVar variation 492665 (VCV000492665.6), dbSNP rs1554085131, ClinGen allele CA658683411.

ClinVar aggregate classification (germline): Pathogenic. Review status: criteria provided, single submitter (1 of 4 stars). 2 submissions from 2 submitters: Pathogenic (1). 1 of the submissions does not count toward it. Last evaluated 2023-05-09.

Conditions:
Familial adenomatous polyposis 1 (FAP1). Also called: FAMILIAL ADENOMATOUS POLYPOSIS 1, ATTENUATED; POLYPOSIS, ADENOMATOUS INTESTINAL. Identifiers: MedGen C2713442, MONDO:0021056, OMIM 175100. Disease mechanism: loss of function.

Submissions (2):

Myriad Genetics, Inc.
Classification: Pathogenic for Familial adenomatous polyposis 1. Last evaluated: 2023-05-09. Review status: criteria provided, single submitter. Criteria: Myriad Autosomal Dominant, Autosomal Recessive and X-Linked Classification Criteria (2023). Collection method: clinical testing. Allele origin: unknown.
Comment: This variant is considered pathogenic. This variant creates a frameshift predicted to result in premature protein truncation.

Mayo Clinic Laboratories, Mayo Clinic
Classification: Likely pathogenic. Review status: no assertion criteria provided. Collection method: clinical testing. Allele origin: unknown. Not counted in ClinVar's aggregate classification.